The following is an entry in ClinVar:

ClinVar aggregate classification (germline): Uncertain significance (1 of 4 stars; one submission).

Conditions:
Chédiak-Higashi syndrome (CHS). Also called: Chediak-Higashi Syndrome. Identifiers: Orphanet 167, MedGen C0007965, MONDO:0008963, OMIM 214500.

Allele frequency attached by ClinVar (database versions not stated): TOPMed below 0.00001; ExAC 0.00001; gnomAD 0.00001.
gnomAD v4.1: 1 of 1,613,882 alleles (0.000062%); highest among the groups gnomAD compares: African/African-American, 0.0013%; no homozygotes.

Submission:

Labcorp Genetics (formerly Invitae), Labcorp
Classification: Uncertain significance for Chédiak-Higashi syndrome. Last evaluated: 2022-03-11. Review status: criteria provided, single submitter. Criteria: Invitae Variant Classification Sherloc (09022015). Collection method: clinical testing. Allele origin: germline.
Comment: In summary, the available evidence is currently insufficient to determine the role of this variant in disease. Therefore, it has been classified as a Variant of Uncertain Significance. Algorithms developed to predict the effect of missense changes on protein structure and function are either unavailable or do not agree on the potential impact of this missense change (SIFT: "Tolerated"; PolyPhen-2: "Probably Damaging"; Align-GVGD: "Class C0"). This variant has not been reported in the literature in individuals affected with LYST-related conditions. This variant is present in population databases (rs772935284, gnomAD 0.007%). This sequence change replaces glutamic acid, which is acidic and polar, with glycine, which is neutral and non-polar, at codon 33 of the LYST protein (p.Glu33Gly).

NM_000081.4(LYST):c.98A>G (p.Glu33Gly)

Gene: LYST (lysosomal trafficking regulator; minus strand). Cytogenetic location: 1q42.3.
Variant type: single nucleotide variant.
Coding change: c.98A>G on transcript NM_000081.4 (MANE Select); coding-DNA position 98, A replaced by G.
Protein change: p.Glu33Gly; replaces glutamic acid 33 with glycine.
Molecular consequence: missense variant. On other transcripts: non-coding transcript variant (1).
Genome position (GRCh38, 1-based): chr1:235,830,320, T>C on the plus strand (A>G on the coding strand, the complement: LYST is on the minus strand). VCF-style: chr1-235830320-T-C. GRCh37 (hg19) VCF-style: chr1-235993620-T-C.
Other names: c.98A>G, p.Glu33Gly (NM_001301365.1); short protein forms E33G.
Identifiers: ClinVar variation 2066954 (VCV002066954.4), dbSNP rs772935284, ClinGen allele CA1467732.
Genomic context (GRCh38, chr1:235,830,320, plus strand): 5'-AGAAATCCTCGACCATGGACAAGGTACTGTCCAAGGGTTGCCATGTGCGTCTCCTCCTCT[T>C]CTTCCTCCCTGGCCTCCACCCTCTGGACCACTGCATTGCAAAGCCGGTTGACATCGGTCA-3'
Protein context (NP_000072.2, residues 23-43): VVQRVEAREE[Glu33Gly]EEETHMATLG